The following is an entry in ClinVar:

NM_000138.5(FBN1):c.6851C>T (p.Pro2284Leu)

Gene: FBN1 (fibrillin 1; minus strand). Cytogenetic location: 15q21.1.
Variant type: single nucleotide variant.
Coding change: c.6851C>T on transcript NM_000138.5 (MANE Select); coding-DNA position 6851, C replaced by T.
Protein change: p.Pro2284Leu; replaces proline 2284 with leucine.
Molecular consequence: missense variant.
Genome position (GRCh38, 1-based): chr15:48,430,691, G>A on the plus strand (C>T on the coding strand, the complement: FBN1 is on the minus strand). VCF-style: chr15-48430691-G-A. GRCh37 (hg19) VCF-style: chr15-48722888-G-A.
Other names: c.6851C>T, p.Pro2284Leu (NM_001406716.1); short protein forms P2284L.
Identifiers: ClinVar variation 4883142 (VCV004883142.2).
Genomic context (GRCh38, chr15:48,430,691, plus strand): 5'-TCTGATGCACTCAAAGCTCCTTCCACAGGGATCCTCTTACCTACACAGCCTTCTCCATCA[G>A]GTCTCCGCTGATACCCGGGTCCACAGATGCACATATATGTGCCAATGAGGTTCTTGCATT-3'
Protein context (NP_000129.3, residues 2274-2294): CICGPGYQRR[Pro2284Leu]DGEGCVDENE

ClinVar aggregate classification (germline): Uncertain significance (1 of 4 stars; one submission).

Conditions:
Marfan syndrome (MFS). Also called: Marfan's syndrome; MARFAN SYNDROME, TYPE I; Marfan syndrome type 1; Marfan syndrome, classic; FBN1-Related Marfan Syndrome. Identifiers: Orphanet 284963, Orphanet 558, MedGen C0024796, MONDO:0007947, OMIM 154700.

Submission:

Dasa
Classification: Uncertain significance for Marfan syndrome. Last evaluated: 2026-02-26. Review status: criteria provided, single submitter. Criteria: DASA Assertion Criteria. Collection method: clinical testing. Allele origin: germline.
Comment: NM_000138.5(FBN1):c.6851C>T (p.Pro2284Leu) is a missense variant that results in the substitution of proline with leucine. This variant is rare in population databases. The currently available literature and clinical evidence are not sufficient to establish a definitive association between this variant and the reported condition. Therefore, this variant is classified as a variant of uncertain significance.